The following is an entry in ClinVar:

ClinVar aggregate classification (germline): Uncertain significance (1 of 4 stars; one submission).

Submission:

Labcorp Genetics (formerly Invitae), Labcorp
Classification: Uncertain significance. Last evaluated: 2024-04-10. Review status: criteria provided, single submitter. Criteria: Invitae Variant Classification Sherloc (09022015). Collection method: clinical testing. Allele origin: germline.
Comment: This sequence change replaces tryptophan, which is neutral and slightly polar, with arginine, which is basic and polar, at codon 43 of the GUF1 protein (p.Trp43Arg). This variant is not present in population databases (gnomAD no frequency). This variant has not been reported in the literature in individuals affected with GUF1-related conditions. Algorithms developed to predict the effect of missense changes on protein structure and function output the following: SIFT: "Not Available"; PolyPhen-2: "Benign"; Align-GVGD: "Not Available". The arginine amino acid residue is found in multiple mammalian species, which suggests that this missense change does not adversely affect protein function. In summary, the available evidence is currently insufficient to determine the role of this variant in disease. Therefore, it has been classified as a Variant of Uncertain Significance.

NM_021927.3(GUF1):c.127T>C (p.Trp43Arg)

Genes: GUF1 (GTP binding elongation factor GUF1; plus strand), LOC129992541 (ATAC-STARR-seq lymphoblastoid silent region 15397; plus strand). Cytogenetic location: 4p12.
Variant type: single nucleotide variant.
Coding change: c.127T>C on transcript NM_021927.3 (MANE Select); coding-DNA position 127, T replaced by C.
Protein change: p.Trp43Arg; replaces tryptophan 43 with arginine.
Molecular consequence: missense variant. On other transcripts: 5 prime UTR variant (2).
Genome position (GRCh38, 1-based): chr4:44,678,749, T>C. VCF-style: chr4-44678749-T-C. GRCh37 (hg19) VCF-style: chr4-44680766-T-C.
Other names: c.-842T>C (NM_001345867.2); c.127T>C, p.Trp43Arg (NM_001345868.2); c.-734T>C (NM_001345869.2); short protein forms W43R.
Identifiers: ClinVar variation 3691201 (VCV003691201.2).